The following is an entry in ClinVar:

ClinVar aggregate classification (germline): Pathogenic (1 of 4 stars; one submission).

Submission:

Labcorp Genetics (formerly Invitae), Labcorp
Classification: Pathogenic. Last evaluated: 2023-01-26. Review status: criteria provided, single submitter. Criteria: Invitae Variant Classification Sherloc (09022015). Collection method: clinical testing. Allele origin: unknown.
Comment: For these reasons, this variant has been classified as Pathogenic. A similar copy number variant has been observed in individual(s) with SMARCB1-related conditions (PMID: 21108436, 30393974). This variant is a gross deletion of the genomic region encompassing exon(s) 1-5 of the SMARCB1 gene, which includes the initiator codon. This deletion extends beyond the assayed region for this gene and therefore may encompass additional genes. It is expected to result in an absent or disrupted protein product. Loss-of-function variants in SMARCB1 are known to be pathogenic (PMID: 10521299, 21208904).

Literature cited by the submitters: PubMed 21108436; PubMed 30393974; PubMed 10521299; PubMed 21208904.

NC_000022.10:g.(?_24129357)_(24145629_?)del

Gene: SMARCB1 (SWI/SNF related BAF chromatin remodeling complex subunit B1; plus strand). Cytogenetic location: 22q11.23.
Variant type: Deletion.
Identifiers: ClinVar variation 3248102 (VCV003248102.1).